The following is an entry in ClinVar:

NM_134261.3(RORA):c.1134C>T (p.Thr378=)

Genes: RORA (RAR related orphan receptor A; minus strand), RORA-AS1 (RORA antisense RNA 1; plus strand). Cytogenetic location: 15q22.2.
Variant type: single nucleotide variant.
Coding change: c.1134C>T on transcript NM_134261.3 (MANE Select); coding-DNA position 1134, C replaced by T.
Protein change: p.Thr378=; no amino-acid change (threonine 378 retained).
Molecular consequence: synonymous variant.
Genome position (GRCh38, 1-based): chr15:60,502,809, G>A on the plus strand (C>T on the coding strand, the complement: RORA is on the minus strand). VCF-style: chr15-60502809-G-A. GRCh37 (hg19) VCF-style: chr15-60795008-G-A.
Other names: c.1209C>T, p.Thr403= (NM_002943.4); c.1233C>T, p.Thr411= (NM_134260.3); c.969C>T, p.Thr323= (NM_134262.3).
Identifiers: ClinVar variation 2645387 (VCV002645387.24), dbSNP rs775402594, ClinGen allele CA7593562.

ClinVar aggregate classification (germline): Likely benign (1 of 4 stars; one submission).

Allele frequency attached by ClinVar (database versions not stated): gnomAD 0.00001; TOPMed 0.00003.
gnomAD v4.1: 32 of 1,613,802 alleles (0.002%); highest among the groups gnomAD compares: African/African-American, 0.0027%; no homozygotes.

Submission:

CeGaT Center for Human Genetics Tuebingen
Classification: Likely benign. Last evaluated: 2023-07-01. Review status: criteria provided, single submitter. Criteria: CeGaT Center For Human Genetics Tuebingen Variant Classification Criteria Version 2. Collection method: clinical testing. Allele origin: germline. Affected: yes. Observed: 2 variant alleles.
Comment: RORA: BP4, BP7